The following is an entry in ClinVar:

NM_000020.3(ACVRL1):c.1377+1G>A

Gene: ACVRL1 (activin A receptor like type 1; plus strand). Cytogenetic location: 12q13.13.
Variant type: single nucleotide variant.
Coding change: c.1377+1G>A on transcript NM_000020.3 (MANE Select); the canonical splice donor site of the intron after coding-DNA position 1377, G replaced by A.
Molecular consequence: splice donor variant. On other transcripts: missense variant (3).
Genome position (GRCh38, 1-based): chr12:51,919,116, G>A. VCF-style: chr12-51919116-G-A. GRCh37 (hg19) VCF-style: chr12-52312900-G-A.
Other names: c.1378G>A, p.Val460Met (NM_001406488.1, NM_001406489.1); c.1066G>A, p.Val356Met (NM_001406493.1); c.1377+1G>A (NM_001406487.1, NM_001077401.2); c.1065+1G>A (NM_001406491.1, NM_001406492.1); c.1221+1G>A (NM_001406490.1); c.867+1G>A (NM_001406494.1); c.813+1G>A (NM_001406495.1); short protein forms V356M, V460M.
Identifiers: ClinVar variation 212794 (VCV000212794.14), dbSNP rs863223406, ClinGen allele CA322270.

ClinVar aggregate classification (germline): Pathogenic/Likely pathogenic. Review status: criteria provided, multiple submitters, no conflicts (2 of 4 stars). 6 submissions from 6 submitters: Pathogenic (5); Likely pathogenic (1). Last evaluated 2025-07-14.

Conditions:
Hereditary hemorrhagic telangiectasia (HHT). Also called: ORW DISEASE; Osler Weber Rendu syndrome; OSLER-RENDU-WEBER DISEASE; Osler hemorrhagic telangiectasia syndrome. Identifiers: Orphanet 774, MedGen C0039445, MONDO:0019180. Disease mechanism: loss of function.
Telangiectasia, hereditary hemorrhagic, type 2 (HHT2). Also called: ACVRL1-Related Hereditary Hemorrhagic Telangiectasia; Telangiectasia, hereditary hemorrhagic, type II. Identifiers: Orphanet 774, MedGen C1838163, MONDO:0010880, OMIM 600376. Disease mechanism: loss of function.
Cardiovascular phenotype. Identifiers: MedGen CN230736.

Allele frequency attached by ClinVar (database versions not stated): gnomAD exomes below 0.00001.
gnomAD v4.1: 1 of 1,614,142 alleles (0.000062%); highest among the groups gnomAD compares: Non-Finnish European, 0.000085%; no homozygotes.

Submissions (6):

Labcorp Genetics (formerly Invitae), Labcorp
Classification: Pathogenic for Telangiectasia, hereditary hemorrhagic, type 2. Last evaluated: 2025-07-14. Review status: criteria provided, single submitter. Criteria: Invitae Variant Classification Sherloc (09022015). Collection method: clinical testing. Allele origin: germline.
Comment: This sequence change affects a donor splice site in intron 9 of the ACVRL1 gene. While this variant is not anticipated to result in nonsense mediated decay, it likely alters RNA splicing and results in a disrupted protein product. This variant is not present in population databases (gnomAD no frequency). Disruption of this splice site has been observed in individuals with hereditary hemorrhagic telangiectasia (PMID: 15712270, 19508727, 21158752; internal data). ClinVar contains an entry for this variant (Variation ID: 212794). Variants that disrupt the consensus splice site are a relatively common cause of aberrant splicing (PMID: 17576681, 9536098). Algorithms developed to predict the effect of sequence changes on RNA splicing suggest that this variant may disrupt the consensus splice site. For these reasons, this variant has been classified as Pathogenic.

Molecular Genetics, Royal Melbourne Hospital
Classification: Likely pathogenic for Hereditary hemorrhagic telangiectasia. Last evaluated: 2023-09-04. Review status: criteria provided, single submitter. Criteria: ACMG Guidelines, 2015. Collection method: clinical testing. Allele origin: germline. Inheritance: Autosomal dominant inheritance. Affected: yes.
Comment: This sequence change in ACVRL1 occurs within the canonical splice donor site of intron 9. It is predicted to cause cryptic donor site activation resulting in an in-frame deletion (removes 19 amino acids) that is expected to remove part of the kinase domain which is critical for protein function. This variant is absent from the population database gnomAD v2.1 and v3.1. This variant has been reported in at least three probands meeting a clinical diagnosis of hereditary haemorrhagic telangiectasia (PMID: 15712270, 19508727; Royal Melbourne Hospital). Based on the classification scheme RMH Modified ACMG/AMP Guidelines v1.6.1, this variant is classified as LIKELY PATHOGENIC. Following criteria are met: PVS1_Strong, PM2_Supporting, PS4_Moderate

MGZ Medical Genetics Center
Classification: Pathogenic for Telangiectasia, hereditary hemorrhagic, type 2. Last evaluated: 2022-08-26. Review status: criteria provided, single submitter. Criteria: ACMG Guidelines, 2015. Collection method: clinical testing. Allele origin: germline. Affected: yes. Observed: 1 variant allele.
Comment: ACMG criteria applied: PVS1, PS4_MOD, PM2_SUP

Mayo Clinic Laboratories, Mayo Clinic
Classification: Pathogenic. Last evaluated: 2022-05-04. Review status: criteria provided, single submitter. Criteria: ACMG Guidelines, 2015. Collection method: clinical testing. Allele origin: germline. Observed: 1 variant allele.
Comment: PM2_supporting, PS4_moderate, PVS1

Ambry Genetics
Classification: Pathogenic for Cardiovascular phenotype. Last evaluated: 2020-11-02. Review status: criteria provided, single submitter. Criteria: Ambry Variant Classification Scheme 2023. Collection method: clinical testing. Allele origin: germline.
Comment: The c.1377+1G>A intronic pathogenic mutation results from a G to A substitution one nucleotide after coding exon 8 of the ACVRL1 gene. This alteration occurs at the 3' terminus of the ACVRL1 gene, is not expected to trigger nonsense-mediated mRNA decay, and only impacts the last 87 amino acids of the protein. The exact functional effect of this alteration is unknown; however, the impacted region is critical for protein function (Ambry internal data). This mutation was first reported in a patient with liver involvement who met diagnostic criteria for hereditary hemorrhagic telangiectasia (HHT) (Kuehl HK, Hum. Mutat. 2005 Mar;25:320). This mutation was later reported in a patient with epistaxis, telangiectasias, gastrointestinal arteriovenous malformations, and a family history of HHT (Sadick H, BMC Med. Genet. 2009 Jun 9;10:53). In silico splice site analysis predicts that this alteration will weaken the native splice donor site. Based on the supporting evidence, this alteration is interpreted as a disease-causing mutation.

GeneDx
Classification: Pathogenic. Last evaluated: 2015-04-22. Review status: criteria provided, single submitter. Criteria: GeneDx Variant Classification (06012015). Collection method: clinical testing. Allele origin: germline. Affected: yes.
Comment: IVS9+1 G>A : c.1377+1 G>A in intron 9 of the ACVRL1 gene (NM_000020.2). The c.1377+1 G>A mutation has been reported previously in association with HHT, and was absent from 100 control alleles (Kuehl H et al., 2005). Furthermore, the c.1377+1 G>A mutation was not observed in approximately 6,500 individuals of European and African American ancestry in the NHLBI Exome Sequencing Project, indicating it is not a common benign variant in these populations. This mutation destroys the canonical splice donor site in intron 9 and is predicted to cause abnormal gene splicing. Other splice site mutations in the ACVRL1 gene have been reported in association with HHT. In summary, c.1377+1 G>A in the ACVRL1 gene is interpreted as a disease-causing mutation. This variant was found in HHT-ARRHYTHMIA panel(s).

Literature cited by the submitters: PubMed 15712270 (cited by 3 submitters); PubMed 19508727 (cited by 3 submitters); PubMed 21158752 (cited by Labcorp Genetics (formerly Invitae), Labcorp); PubMed 17576681 (cited by Labcorp Genetics (formerly Invitae), Labcorp); PubMed 9536098 (cited by Labcorp Genetics (formerly Invitae), Labcorp).